The following is an entry in ClinVar:

ClinVar aggregate classification (germline): Uncertain significance. Review status: criteria provided, multiple submitters, no conflicts (2 of 4 stars). 3 submissions from 3 submitters: Uncertain significance (3). Last evaluated 2025-03-17.

Conditions:
Inborn genetic diseases. Identifiers: MedGen C0950123, MeSH D030342.
Malignant hyperthermia, susceptibility to, 1 (MHS1). Also called: Anesthesia related hyperthermia; Malignant hyperpyrexia; Fulminating hyperpyrexia; Pharmacogenic myopathy; RYR1-Related Malignant Hyperthermia Susceptibility; Malignant hyperthermia suceptibility 1. Identifiers: Orphanet 423, MedGen C2930980, MONDO:0007783, OMIM 145600.

Allele frequency attached by ClinVar (database versions not stated): gnomAD exomes below 0.00001; TOPMed 0.00001; gnomAD 0.00002.
gnomAD v4.1: 5 of 1,610,580 alleles (0.00031%); highest among the groups gnomAD compares: Non-Finnish European, 0.00042%; no homozygotes.

Submissions (3):

GeneDx
Classification: Uncertain significance. Last evaluated: 2025-03-17. Review status: criteria provided, single submitter. Criteria: GeneDx Variant Classification Process June 2021. Collection method: clinical testing. Allele origin: germline. Affected: yes.
Comment: Not observed at significant frequency in large population cohorts (gnomAD); In silico analysis supports that this missense variant has a deleterious effect on protein structure/function; Has not been previously published as pathogenic or benign to our knowledge

Ambry Genetics
Classification: Uncertain significance for Inborn genetic diseases. Last evaluated: 2024-08-27. Review status: criteria provided, single submitter. Criteria: Ambry Variant Classification Scheme 2023. Collection method: clinical testing. Allele origin: germline.

All of Us Research Program, National Institutes of Health
Classification: Uncertain significance for Malignant hyperthermia, susceptibility to, 1. Last evaluated: 2023-08-15. Review status: criteria provided, single submitter. Criteria: ACMG Guidelines, 2015. Collection method: clinical testing. Allele origin: germline. Inheritance: Autosomal dominant inheritance. Observed: 3 variant alleles, 3 heterozygotes.
Comment: This study involves interpretation of variants in research participants for the purpose of population health screening. Participant phenotype was not available at the time of variant classification. Additional details can be found in publication PMID: 35346344, PMCID: PMC8962531

NM_000540.3(RYR1):c.4990C>T (p.His1664Tyr)

Gene: RYR1 (ryanodine receptor 1; plus strand). Cytogenetic location: 19q13.2.
Variant type: single nucleotide variant.
Coding change: c.4990C>T on transcript NM_000540.3 (MANE Select); coding-DNA position 4990, C replaced by T.
Protein change: p.His1664Tyr; replaces histidine 1664 with tyrosine.
Molecular consequence: missense variant.
Genome position (GRCh38, 1-based): chr19:38,485,645, C>T. VCF-style: chr19-38485645-C-T. GRCh37 (hg19) VCF-style: chr19-38976285-C-T.
Other names: c.4990C>T, p.His1664Tyr (NM_001042723.2); short protein forms H1664Y.
Identifiers: ClinVar variation 3072106 (VCV003072106.3), dbSNP rs1426611590, ClinGen allele CA405652890.
Genomic context (GRCh38, chr19:38,485,645, plus strand): 5'-TGCAGGTGCATGGACATCCTGGAGCTGTCGGAGCGCCTGGACCTGCAGCGCTTCCACTCG[C>T]ACACCCTGCGCCTCTACCGCGCTGTGTGCGCCCTGGGCAACAATCGCGTGGCGCACGCTC-3'
Protein context (NP_000531.2, residues 1654-1674): ERLDLQRFHS[His1664Tyr]TLRLYRAVCA